The following is an entry in ClinVar:

NM_001368397.1(FRMPD4):c.1411G>T (p.Glu471Ter)

Gene: FRMPD4 (FERM and PDZ domain containing 4; plus strand). Cytogenetic location: Xp22.2.
Variant type: single nucleotide variant.
Coding change: c.1411G>T on transcript NM_001368397.1 (MANE Select); coding-DNA position 1411, G replaced by T.
Protein change: p.Glu471Ter; replaces glutamic acid 471 with a stop codon.
Molecular consequence: nonsense.
Genome position (GRCh38, 1-based): chrX:12,707,592, G>T. VCF-style: chrX-12707592-G-T. GRCh37 (hg19) VCF-style: chrX-12725711-G-T.
Other names: c.1522G>T, p.Glu508Ter (NM_001368395.3, NM_001368398.3); c.1417G>T, p.Glu473Ter (NM_001368396.3); c.1402G>T, p.Glu468Ter (NM_001368399.3); c.1291G>T, p.Glu431Ter (NM_001368400.3); c.1387G>T, p.Glu463Ter (NM_001368401.1, NM_001368402.3); c.1411G>T, p.Glu471Ter (NM_014728.3); short protein forms E431*, E463*, E468*, E471*, E473*, E508*.
Identifiers: ClinVar variation 2580164 (VCV002580164.2), dbSNP rs747574742, ClinGen allele CA412009403.

ClinVar aggregate classification (germline): Pathogenic (1 of 4 stars; one submission).

Conditions:
Intellectual developmental disorder, X-linked 104. Also called: Intellectual disability, X-linked 104. Identifiers: MedGen C4310817, MONDO:0010509, OMIM 300983.

Submission:

Laboratory of genome editing, Research Centre for Medical Genetics
Classification: Pathogenic for Intellectual developmental disorder, X-linked 104. Last evaluated: 2023-09-20. Review status: criteria provided, single submitter. Criteria: ACMG Guidelines, 2015. Collection method: clinical testing. Allele origin: de novo. Affected: yes. Observed: 1 hemizygote.
Comment: PVS1, PS2, PM2

Literature cited by the submitters: PubMed 35887114.